The following is an entry in ClinVar:

NM_000901.5(NR3C2):c.2060A>G (p.Glu687Gly)

Gene: NR3C2 (nuclear receptor subfamily 3 group C member 2; minus strand). Cytogenetic location: 4q31.23.
Variant type: single nucleotide variant.
Coding change: c.2060A>G on transcript NM_000901.5 (MANE Select); coding-DNA position 2060, A replaced by G.
Protein change: p.Glu687Gly; replaces glutamic acid 687 with glycine.
Molecular consequence: missense variant. On other transcripts: intron variant (2).
Genome position (GRCh38, 1-based): chr4:148,154,856, T>C on the plus strand (A>G on the coding strand, the complement: NR3C2 is on the minus strand). VCF-style: chr4-148154856-T-C. GRCh37 (hg19) VCF-style: chr4-149076007-T-C.
Other names: c.2060A>G, p.Glu687Gly (NM_001437654.1, NM_001437655.1, NM_001437656.1 and 1 more transcripts); c.2072A>G, p.Glu691Gly (NM_001437657.1); c.2015-2243A>G (NM_001354819.1, NM_001166104.2); short protein forms E687G, E691G.
Identifiers: ClinVar variation 4994926 (VCV004994926.1).

ClinVar aggregate classification (germline): Uncertain significance (1 of 4 stars; one submission).

Conditions:
NR3C2-related disorder. Also called: NR3C2-related disorders; NR3C2-related condition.

Submission:

PreventionGenetics, part of Exact Sciences
Classification: Uncertain significance for NR3C2-related condition. Last evaluated: 2026-01-07. Review status: criteria provided, single submitter. Criteria: ACMG Guidelines, 2015. Collection method: clinical testing. Allele origin: germline.
Comment: The NR3C2 c.2060A>G variant is predicted to result in the amino acid substitution p.Glu687Gly. To our knowledge, this variant has not been reported in the literature or in a large population database (gnomAD), indicating this variant is rare. At this time, the clinical significance of this variant is uncertain due to the absence of conclusive functional and genetic evidence.